The following is an entry in ClinVar:

NM_024753.5(TTC21B):c.1162C>T (p.Gln388Ter)

Gene: TTC21B (tetratricopeptide repeat domain 21B; minus strand). Cytogenetic location: 2q24.3.
Variant type: single nucleotide variant.
Coding change: c.1162C>T on transcript NM_024753.5 (MANE Select); coding-DNA position 1162, C replaced by T.
Protein change: p.Gln388Ter; replaces glutamine 388 with a stop codon.
Molecular consequence: nonsense.
Genome position (GRCh38, 1-based): chr2:165,929,673, G>A on the plus strand (C>T on the coding strand, the complement: TTC21B is on the minus strand). VCF-style: chr2-165929673-G-A. GRCh37 (hg19) VCF-style: chr2-166786183-G-A.
Other names: short protein forms Q388*.
Identifiers: ClinVar variation 2014938 (VCV002014938.4), dbSNP rs1686811023, ClinGen allele CA349066062.

ClinVar aggregate classification (germline): Pathogenic (1 of 4 stars; one submission).

Conditions:
Jeune thoracic dystrophy. Also called: Jeune syndrome; Infantile thoracic dystrophy; Thoracic pelvic phalangeal dystrophy; Jeune's syndrome; Chondroectodermal dysplasia-like syndrome; Short-rib thoracic dysplasia. Identifiers: Orphanet 474, MedGen C0265275, MONDO:0018770.
Nephronophthisis. Also called: Juvenile Nephronophthisis. Identifiers: Orphanet 655, MedGen C0687120, MONDO:0019005, HP:0000090.

gnomAD v4.1: 1 of 1,612,248 alleles (0.000062%); no homozygotes.

Submission:

Labcorp Genetics (formerly Invitae), Labcorp
Classification: Pathogenic for Jeune thoracic dystrophy; Nephronophthisis. Last evaluated: 2024-11-05. Review status: criteria provided, single submitter. Criteria: Invitae Variant Classification Sherloc (09022015). Collection method: clinical testing. Allele origin: germline.
Comment: This sequence change creates a premature translational stop signal (p.Gln388*) in the TTC21B gene. It is expected to result in an absent or disrupted protein product. Loss-of-function variants in TTC21B are known to be pathogenic (PMID: 18327258, 21068128, 21258341, 23559409, 24876116, 25492405, 27491411, 29068549). This variant is not present in population databases (gnomAD no frequency). This variant has not been reported in the literature in individuals affected with TTC21B-related conditions. ClinVar contains an entry for this variant (Variation ID: 2014938). Algorithms developed to predict the effect of sequence changes on RNA splicing suggest that this variant may disrupt the consensus splice site. For these reasons, this variant has been classified as Pathogenic.

Literature cited by the submitters: PubMed 18327258; PubMed 21068128; PubMed 21258341; PubMed 23559409; PubMed 24876116; PubMed 25492405; PubMed 27491411; PubMed 29068549.